The following is an entry in ClinVar:

ClinVar aggregate classification (germline): Uncertain significance (1 of 4 stars; one submission).

Conditions:
Parathyroid carcinoma (PRTC). Also called: Parathyroid gland carcinoma; CDC73-Related Parathyroid Carcinoma. Identifiers: Orphanet 143, MedGen C0687150, MONDO:0012004, OMIM 608266, HP:0006780.

Submission:

Labcorp Genetics (formerly Invitae), Labcorp
Classification: Uncertain significance for Parathyroid carcinoma. Last evaluated: 2022-07-15. Review status: criteria provided, single submitter. Criteria: Invitae Variant Classification Sherloc (09022015). Collection method: clinical testing. Allele origin: germline.
Comment: This variant is not present in population databases (gnomAD no frequency). In summary, the available evidence is currently insufficient to determine the role of this variant in disease. Therefore, it has been classified as a Variant of Uncertain Significance. Algorithms developed to predict the effect of missense changes on protein structure and function (SIFT, PolyPhen-2, Align-GVGD) all suggest that this variant is likely to be tolerated. This variant has not been reported in the literature in individuals affected with CDC73-related conditions. This sequence change replaces alanine, which is neutral and non-polar, with proline, which is neutral and non-polar, at codon 327 of the CDC73 protein (p.Ala327Pro).

NM_024529.5(CDC73):c.979G>C (p.Ala327Pro)

Gene: CDC73 (cell division cycle 73; plus strand). Cytogenetic location: 1q31.2.
Variant type: single nucleotide variant.
Coding change: c.979G>C on transcript NM_024529.5 (MANE Select); coding-DNA position 979, G replaced by C.
Protein change: p.Ala327Pro; replaces alanine 327 with proline.
Molecular consequence: missense variant.
Genome position (GRCh38, 1-based): chr1:193,203,801, G>C. VCF-style: chr1-193203801-G-C. GRCh37 (hg19) VCF-style: chr1-193172931-G-C.
Other names: short protein forms A327P.
Identifiers: ClinVar variation 1714930 (VCV001714930.6), dbSNP rs2103178028, ClinGen allele CA344076090.